The following is an entry in ClinVar:

NM_000718.4(CACNA1B):c.2249C>T (p.Ala750Val)

Genes: CACNA1B (calcium voltage-gated channel subunit alpha1 B; plus strand), LOC108254695 (9q34.3 CACNA1B recombination region; plus strand). Cytogenetic location: 9q34.3.
Variant type: single nucleotide variant.
Coding change: c.2249C>T on transcript NM_000718.4 (MANE Select); coding-DNA position 2249, C replaced by T.
Protein change: p.Ala750Val; replaces alanine 750 with valine.
Molecular consequence: missense variant.
Genome position (GRCh38, 1-based): chr9:138,013,217, C>T. VCF-style: chr9-138013217-C-T. GRCh37 (hg19) VCF-style: chr9-140907669-C-T.
Other names: c.2249C>T, p.Ala750Val (NM_001243812.2); short protein forms A750V.
Identifiers: ClinVar variation 1907804 (VCV001907804.2), dbSNP rs200288130, ClinGen allele CA5376416.

ClinVar aggregate classification (germline): Uncertain significance (1 of 4 stars; one submission).

Allele frequency attached by ClinVar (database versions not stated): TOPMed 0.00001; gnomAD 0.00002; gnomAD exomes 0.00002; ExAC 0.00004.
gnomAD v4.1: 27 of 1,601,044 alleles (0.0017%); highest among the groups gnomAD compares: East Asian, 0.0022%; no homozygotes.

Submission:

Labcorp Genetics (formerly Invitae), Labcorp
Classification: Uncertain significance. Last evaluated: 2022-10-17. Review status: criteria provided, single submitter. Criteria: Invitae Variant Classification Sherloc (09022015). Collection method: clinical testing. Allele origin: germline.
Comment: This sequence change replaces alanine, which is neutral and non-polar, with valine, which is neutral and non-polar, at codon 750 of the CACNA1B protein (p.Ala750Val). The frequency data for this variant in the population databases is considered unreliable, as metrics indicate poor data quality at this position in the gnomAD database. This variant has not been reported in the literature in individuals affected with CACNA1B-related conditions. Algorithms developed to predict the effect of missense changes on protein structure and function are either unavailable or do not agree on the potential impact of this missense change (SIFT: "Deleterious"; PolyPhen-2: "Benign"; Align-GVGD: "Class C0"). In summary, the available evidence is currently insufficient to determine the role of this variant in disease. Therefore, it has been classified as a Variant of Uncertain Significance.